The following is an entry in ClinVar:

NM_024642.5(GALNT12):c.371T>C (p.Leu124Pro)

Gene: GALNT12 (polypeptide N-acetylgalactosaminyltransferase 12; plus strand). Cytogenetic location: 9q22.33.
Variant type: single nucleotide variant.
Coding change: c.371T>C on transcript NM_024642.5 (MANE Select); coding-DNA position 371, T replaced by C.
Protein change: p.Leu124Pro; replaces leucine 124 with proline.
Molecular consequence: missense variant.
Genome position (GRCh38, 1-based): chr9:98,808,069, T>C. VCF-style: chr9-98808069-T-C. GRCh37 (hg19) VCF-style: chr9-101570351-T-C.
Other names: short protein forms L124P.
Identifiers: ClinVar variation 1734284 (VCV001734284.2), dbSNP rs2490456531, ClinGen allele CA374223209.
Genomic context (GRCh38, chr9:98,808,069, plus strand): 5'-ACATCTACCTCAGCGACCGCATCTCACTGCACCGCCGCCTGCCCGAGCGCTGGAACCCGC[T>C]GTGAGTGCACAGCTCTGGGGAGGAAGCCCGCCCTCAGAGCCCCGGGCCTCAGTTTCTCCA-3'
Protein context (NP_078918.3, residues 114-134): HRRLPERWNP[Leu124Pro]CKEKKYDYDN

ClinVar aggregate classification (germline): Uncertain significance (1 of 4 stars; one submission).

Allele frequency attached by ClinVar (database versions not stated): gnomAD exomes below 0.00001.
gnomAD v4.1: 2 of 1,575,198 alleles (0.00013%); no homozygotes.

Submission:

Ambry Genetics
Classification: Uncertain significance. Last evaluated: 2020-12-09. Review status: criteria provided, single submitter. Criteria: Ambry Variant Classification Scheme 2023. Collection method: clinical testing. Allele origin: germline.
Comment: The c.371T>C variant (also known as p.L124P), located in coding exon 1 of the GALNT12 gene, results from a T to C substitution at nucleotide position 371. The amino acid change results in leucine to proline at codon 124, an amino acid with similar properties. However, this change occurs in the last base pair of coding exon 1, which makes it likely to have some effect on normal mRNA splicing. In addition, this alteration is predicted to be tolerated by in silico analysis. Since supporting evidence is limited at this time, the clinical significance of this alteration remains unclear.